The following is an entry in ClinVar:

NM_024537.4(CARS2):c.301C>T (p.Arg101Ter)

Gene: CARS2 (cysteinyl-tRNA synthetase 2, mitochondrial; minus strand). Cytogenetic location: 13q34.
Variant type: single nucleotide variant.
Coding change: c.301C>T on transcript NM_024537.4 (MANE Select); coding-DNA position 301, C replaced by T.
Protein change: p.Arg101Ter; replaces arginine 101 with a stop codon.
Molecular consequence: nonsense. On other transcripts: 5 prime UTR variant (1), non-coding transcript variant (2).
Genome position (GRCh38, 1-based): chr13:110,701,530, G>A on the plus strand (C>T on the coding strand, the complement: CARS2 is on the minus strand). VCF-style: chr13-110701530-G-A. GRCh37 (hg19) VCF-style: chr13-111353877-G-A.
Other names: c.-699C>T (NM_001352252.2); c.301C>T, p.Arg101Ter (NM_001352253.3); short protein forms R101*.
Identifiers: ClinVar variation 1464574 (VCV001464574.6), dbSNP rs777672253, ClinGen allele CA7052315.

ClinVar aggregate classification (germline): Uncertain significance (1 of 4 stars; one submission).

Conditions:
Combined oxidative phosphorylation defect type 27. Also called: Combined oxidative phosphorylation deficiency 27. Identifiers: Orphanet 477774, MedGen C5567608, MONDO:0014728, OMIM 616672.

gnomAD v4.1: 2 of 1,556,882 alleles (0.00013%); highest among the groups gnomAD compares: South Asian, 0.0011%; no homozygotes.

Submission:

Labcorp Genetics (formerly Invitae), Labcorp
Classification: Uncertain significance for Combined oxidative phosphorylation defect type 27. Last evaluated: 2023-08-17. Review status: criteria provided, single submitter. Criteria: Invitae Variant Classification Sherloc (09022015). Collection method: clinical testing. Allele origin: germline.
Comment: In summary, the available evidence is currently insufficient to determine the role of this variant in disease. Therefore, it has been classified as a Variant of Uncertain Significance. ClinVar contains an entry for this variant (Variation ID: 1464574). This variant has not been reported in the literature in individuals affected with CARS2-related conditions. This variant is present in population databases (rs777672253, gnomAD 0.003%). This sequence change creates a premature translational stop signal (p.Arg101*) in the CARS2 gene. It is expected to result in an absent or disrupted protein product. However, the current clinical and genetic evidence is not sufficient to establish whether loss-of-function variants in CARS2 cause disease.